The following is an entry in ClinVar:

NM_005269.3(GLI1):c.1138C>T (p.Arg380Ter)

Gene: GLI1 (GLI family zinc finger 1; plus strand). Cytogenetic location: 12q13.3.
Variant type: single nucleotide variant.
Coding change: c.1138C>T on transcript NM_005269.3 (MANE Select); coding-DNA position 1138, C replaced by T.
Protein change: p.Arg380Ter; replaces arginine 380 with a stop codon.
Molecular consequence: nonsense.
Genome position (GRCh38, 1-based): chr12:57,468,054, C>T. VCF-style: chr12-57468054-C-T. GRCh37 (hg19) VCF-style: chr12-57861837-C-T.
Other names: c.754C>T, p.Arg252Ter (NM_001160045.2); c.1015C>T, p.Arg339Ter (NM_001167609.2); short protein forms R380*, R339*, R252*.
Identifiers: ClinVar variation 5005143 (VCV005005143.2).

ClinVar aggregate classification (germline): Likely pathogenic (1 of 4 stars; one submission).

Conditions:
Polydactyly, postaxial, type A8. Identifiers: MedGen C4748277, MONDO:0029130, OMIM 618123.
Polydactyly of a biphalangeal thumb. Also called: Preaxial hand polydactyly; Thumb polydactyly; Polydactyly, preaxial I; FROMONT ANOMALY. Identifiers: Orphanet 93339, MedGen C1395852, MONDO:0008269, OMIM 174400, HP:0001177.

gnomAD v4.1: 28 of 1,614,082 alleles (0.0017%); highest among the groups gnomAD compares: Non-Finnish European, 0.0022%; no homozygotes.

Submission:

Juno Genomics, Hangzhou Juno Genomics, Inc
Classification: Likely pathogenic for Polydactyly, postaxial, type A8; Polydactyly of a biphalangeal thumb. Review status: criteria provided, single submitter. Criteria: ACMG Guidelines, 2015. Collection method: clinical testing. Allele origin: germline.
Comment: Null variant in a gene where loss of function (LOF) is a known mechanism of disease.;Absent from controls (or at extremely low frequency if recessive) in Genome Aggregation Database.